The following is an entry in ClinVar:

NM_001048174.2(MUTYH):c.1468del (p.Ser490fs)

Gene: MUTYH (mutY DNA glycosylase; minus strand). Cytogenetic location: 1p34.1.
Variant type: Deletion.
Coding change: c.1468del on transcript NM_001048174.2 (MANE Select); coding-DNA position 1468, one base deleted (A; older notation c.1468delA).
Protein change: p.Ser490fs; shifts the reading frame from serine 490.
Molecular consequence: frameshift variant. On other transcripts: non-coding transcript variant (2).
Genome position (GRCh38, 1-based): chr1:45,329,404, T deleted on the plus strand (A on the coding strand, the reverse complement: MUTYH is on the minus strand). VCF-style (leftmost placement, unchanged base first): chr1-45329403-CT-C. GRCh37 (hg19) VCF-style: chr1-45795075-CT-C.
Other names: c.1552delA (NM_001128425.1); c.1468del, p.Ser490fs (NM_001048171.2, NM_001048173.2, NM_001293195.2); c.1471del, p.Ser491fs (NM_001048172.2); c.1552del, p.Ser518fs (NM_001128425.2); c.1513del, p.Ser505fs (NM_001293190.2); c.1501del, p.Ser501fs (NM_001293191.2); c.1192del, p.Ser398fs (NM_001293192.2, NM_001293196.2); c.1123del, p.Ser375fs (NM_001350650.2, NM_001350651.2); and 1 more; short protein forms S398fs, S490fs, S515fs, S375fs, S505fs, S491fs, S501fs, S518fs.
Identifiers: ClinVar variation 238341 (VCV000238341.8), dbSNP rs878854186, ClinGen allele CA10581799.

ClinVar aggregate classification (germline): Likely pathogenic (1 of 4 stars; one submission).

Conditions:
Familial adenomatous polyposis 2. Also called: FAP type 2; MUTYH Polyposis; MUTYH-related attenuated familial adenomatous polyposis; COLORECTAL ADENOMATOUS POLYPOSIS, AUTOSOMAL RECESSIVE; ADENOMAS, MULTIPLE COLORECTAL, AUTOSOMAL RECESSIVE; Adenomas, multiple colorectal. Identifiers: Orphanet 220460, Orphanet 247798, MedGen C3272841, MONDO:0012041, OMIM 608456.

Submission:

Labcorp Genetics (formerly Invitae), Labcorp
Classification: Likely pathogenic for Familial adenomatous polyposis 2. Last evaluated: 2023-11-08. Review status: criteria provided, single submitter. Criteria: Invitae Variant Classification Sherloc (09022015). Collection method: clinical testing. Allele origin: germline.
Comment: This sequence change creates a premature translational stop signal (p.Ser518Valfs*53) in the MUTYH gene. While this is not anticipated to result in nonsense mediated decay, it is expected to disrupt the last 32 amino acid(s) of the MUTYH protein. This variant is not present in population databases (gnomAD no frequency). This variant has not been reported in the literature in individuals affected with MUTYH-related conditions. This variant is also known as Gln512-Phe519. ClinVar contains an entry for this variant (Variation ID: 238341). This variant disrupts the conserved PCNA binding motif of the MUTYH protein, which has been shown to be critical for MUTYH-PCNA binding and repair efficiency (PMID: 11092888, 26377631, 11433026, 11864576). While functional studies have not been performed to directly test the effect of this variant on MUTYH protein function, this suggests that disruption of this region of the protein is causative of disease. In summary, the currently available evidence indicates that the variant is pathogenic, but additional data are needed to prove that conclusively. Therefore, this variant has been classified as Likely Pathogenic.

Literature cited by the submitters: PubMed 11092888; PubMed 26377631; PubMed 11433026; PubMed 11864576.